The following is an entry in ClinVar:

ClinVar aggregate classification (germline): Uncertain significance (1 of 4 stars; one submission).

Allele frequency attached by ClinVar (database versions not stated): TOPMed 0.00001; gnomAD 0.00002.

Submission:

Labcorp Genetics (formerly Invitae), Labcorp
Classification: Uncertain significance. Last evaluated: 2022-02-10. Review status: criteria provided, single submitter. Criteria: Invitae Variant Classification Sherloc (09022015). Collection method: clinical testing. Allele origin: germline.
Comment: In summary, the available evidence is currently insufficient to determine the role of this variant in disease. Therefore, it has been classified as a Variant of Uncertain Significance. Algorithms developed to predict the effect of missense changes on protein structure and function output the following: SIFT: "Tolerated"; PolyPhen-2: "Benign"; Align-GVGD: "Class C0". The leucine amino acid residue is found in multiple mammalian species, which suggests that this missense change does not adversely affect protein function. This variant has not been reported in the literature in individuals affected with CDCA7-related conditions. This variant is present in population databases (no rsID available, gnomAD 0.0009%). This sequence change replaces methionine, which is neutral and non-polar, with leucine, which is neutral and non-polar, at codon 285 of the CDCA7 protein (p.Met285Leu).

NM_031942.5(CDCA7):c.853A>T (p.Met285Leu)

Gene: CDCA7 (cell division cycle associated 7; plus strand). Cytogenetic location: 2q31.1.
Variant type: single nucleotide variant.
Coding change: c.853A>T on transcript NM_031942.5 (MANE Select); coding-DNA position 853, A replaced by T.
Protein change: p.Met285Leu; replaces methionine 285 with leucine.
Molecular consequence: missense variant.
Genome position (GRCh38, 1-based): chr2:173,364,948, A>T. VCF-style: chr2-173364948-A-T. GRCh37 (hg19) VCF-style: chr2-174229676-A-T.
Other names: c.616A>T, p.Met206Leu (NM_145810.3); short protein forms M285L, M206L.
Identifiers: ClinVar variation 1378481 (VCV001378481.6), dbSNP rs1307515379, ClinGen allele CA349328996.